The following is an entry in ClinVar:

ClinVar aggregate classification (germline): Likely benign (1 of 4 stars; one submission).

gnomAD v4.1: 52 of 1,564,436 alleles (0.0033%); highest among the groups gnomAD compares: East Asian, 0.065%; no homozygotes.

Submission:

Mayo Clinic Laboratories, Mayo Clinic
Classification: Likely benign. Last evaluated: 2025-04-02. Review status: criteria provided, single submitter. Criteria: ACMG Guidelines, 2015. Collection method: clinical testing. Allele origin: germline. Observed: 1 variant allele.
Comment: BS1, BP4, BP7

NM_000285.4(PEPD):c.441+30G>A

Gene: PEPD (peptidase D; minus strand). Cytogenetic location: 19q13.11.
Variant type: single nucleotide variant.
Coding change: c.441+30G>A on transcript NM_000285.4 (MANE Select); 30 bases into the intron after coding-DNA position 441, G replaced by A.
Molecular consequence: intron variant.
Genome position (GRCh38, 1-based): chr19:33,493,260, C>T on the plus strand (G>A on the coding strand, the complement: PEPD is on the minus strand). VCF-style: chr19-33493260-C-T. GRCh37 (hg19) VCF-style: chr19-33984166-C-T.
Other names: p.?; c.249+30G>A (NM_001166057.2); c.441+30G>A (NM_001166056.2).
Identifiers: ClinVar variation 4684368 (VCV004684368.1).
Genomic context (GRCh38, chr19:33,493,260, plus strand): 5'-TATGGGCCCGACCTCTGCAGGAGAGGTGGCCCCCATAAAAACCCTCCCCAGAGCCAAGCA[C>T]TGCCCCACCCCTGGACACCAGCCACTTACCAAAGTGAGGAGGACAGAGGGCTTCTGTGAC-3'